The following is an entry in ClinVar:

NM_001401501.2(MUC16):c.45693G>A (p.Val15231=)

Gene: MUC16 (mucin 16, cell surface associated; minus strand). Cytogenetic location: 19p13.2.
Variant type: single nucleotide variant.
Coding change: c.45693G>A on transcript NM_001401501.2 (MANE Select); coding-DNA position 45693, G replaced by A.
Protein change: p.Val15231=; no amino-acid change (valine 15231 retained).
Molecular consequence: synonymous variant.
Genome position (GRCh38, 1-based): chr19:8,856,110, C>T on the plus strand (G>A on the coding strand, the complement: MUC16 is on the minus strand). VCF-style: chr19-8856110-C-T. GRCh37 (hg19) VCF-style: chr19-8966786-C-T.
Other names: c.46119G>A, p.Val15373= (NM_001414686.1); c.45573G>A, p.Val15191= (NM_001414687.1); c.43167G>A, p.Val14389= (NM_024690.2).
Identifiers: ClinVar variation 3035510 (VCV003035510.2), dbSNP rs201812271, ClinGen allele CA9162141.
Genomic context (GRCh38, chr19:8,856,110, plus strand): 5'-CTCATAGATGGCAACTCTGTCTACTCTCCGAGCCAGTGGCGAGAAGTTACACAGGGAGTC[C>T]ACCCCGGTGTGGTGCCTGTTGGGGACAGACCTGGAAGGGGACAGGGATAAGCAAAGATAT-3'
Protein context (NP_001388430.1, residues 15221-15241): RSVPNRHHTG[Val15231=]DSLCNFSPLA

ClinVar aggregate classification (germline): Likely benign (0 of 4 stars; one submission).

Conditions:
MUC16-related disorder. Also called: MUC16-related condition.

Allele frequency attached by ClinVar (database versions not stated): TOPMed 0.00129; gnomAD 0.00141; ExAC 0.00205; ESP Exome Variant Server 0.00223; gnomAD exomes 0.00240.

Submission:

PreventionGenetics, part of Exact Sciences
Classification: Likely benign for MUC16-related condition. Last evaluated: 2019-02-26. Review status: no assertion criteria provided. Collection method: clinical testing. Allele origin: germline.
Comment: This variant is classified as likely benign based on ACMG/AMP sequence variant interpretation guidelines (Richards et al. 2015 PMID: 25741868, with internal and published modifications).